The following is an entry in ClinVar:

NM_001042492.3(NF1):c.7913T>G (p.Ile2638Ser)

Gene: NF1 (neurofibromin 1; plus strand). Cytogenetic location: 17q11.2.
Variant type: single nucleotide variant.
Coding change: c.7913T>G on transcript NM_001042492.3 (MANE Select); coding-DNA position 7913, T replaced by G.
Protein change: p.Ile2638Ser; replaces isoleucine 2638 with serine.
Molecular consequence: missense variant.
Genome position (GRCh38, 1-based): chr17:31,357,312, T>G. VCF-style: chr17-31357312-T-G. GRCh37 (hg19) VCF-style: chr17-29684330-T-G.
Other names: c.7850T>G, p.Ile2617Ser (NM_000267.4); short protein forms I2617S, I2638S.
Identifiers: ClinVar variation 1315947 (VCV001315947.2), dbSNP rs2151583287, ClinGen allele CA399203446.

ClinVar aggregate classification (germline): Uncertain significance (1 of 4 stars; one submission).

gnomAD v4.1: 1 of 1,614,064 alleles (0.000062%); highest among the groups gnomAD compares: Middle Eastern, 0.016%; no homozygotes.

Submission:

GeneDx
Classification: Uncertain significance. Last evaluated: 2019-11-21. Review status: criteria provided, single submitter. Criteria: GeneDx Variant Classification Process June 2021. Collection method: clinical testing. Allele origin: germline. Affected: yes.
Comment: Not observed in large population cohorts (Lek 2016); In silico analysis, which includes protein predictors and evolutionary conservation, supports a deleterious effect; Observed in an individual with a myeloproliferative neoplasm (Al-Dewik 2018); This variant is associated with the following publications: (PMID: 30553997)